The following is an entry in ClinVar:

NM_206933.4(USH2A):c.10714G>A (p.Val3572Ile)

Gene: USH2A (usherin; minus strand). Cytogenetic location: 1q41.
Variant type: single nucleotide variant.
Coding change: c.10714G>A on transcript NM_206933.4 (MANE Select); coding-DNA position 10714, G replaced by A.
Protein change: p.Val3572Ile; replaces valine 3572 with isoleucine.
Molecular consequence: missense variant.
Genome position (GRCh38, 1-based): chr1:215,782,068, C>T on the plus strand (G>A on the coding strand, the complement: USH2A is on the minus strand). VCF-style: chr1-215782068-C-T. GRCh37 (hg19) VCF-style: chr1-215955410-C-T.
Other names: short protein forms V3572I.
Identifiers: ClinVar variation 3633751 (VCV003633751.2).
Genomic context (GRCh38, chr1:215,782,068, plus strand): 5'-CCCTTTTCCCAGAGTTTAGGCAAACTCCTCTTACCTTGCTACTGGTGGCACAGCCAGCAA[C>T]CGTGCAAGCTTTCAGCTGATATGAATATTCCTGAAATGGTTGAATTCCCTCTTTATCAGA-3'
Protein context (NP_996816.3, residues 3562-3582): EYSYQLKACT[Val3572Ile]AGCATSSKVV

ClinVar aggregate classification (germline): Uncertain significance (1 of 4 stars; one submission).

Submission:

Labcorp Genetics (formerly Invitae), Labcorp
Classification: Uncertain significance. Last evaluated: 2024-09-11. Review status: criteria provided, single submitter. Criteria: Invitae Variant Classification Sherloc (09022015). Collection method: clinical testing. Allele origin: germline.
Comment: This sequence change replaces valine, which is neutral and non-polar, with isoleucine, which is neutral and non-polar, at codon 3572 of the USH2A protein (p.Val3572Ile). This variant is not present in population databases (gnomAD no frequency). This variant has not been reported in the literature in individuals affected with USH2A-related conditions. Invitae Evidence Modeling of protein sequence and biophysical properties (such as structural, functional, and spatial information, amino acid conservation, physicochemical variation, residue mobility, and thermodynamic stability) indicates that this missense variant is not expected to disrupt USH2A protein function with a negative predictive value of 95%. In summary, the available evidence is currently insufficient to determine the role of this variant in disease. Therefore, it has been classified as a Variant of Uncertain Significance.